The following is an entry in ClinVar:

NM_145290.4(ADGRA3):c.2329G>A (p.Val777Ile)

Gene: ADGRA3 (adhesion G protein-coupled receptor A3; minus strand). Cytogenetic location: 4p15.2.
Variant type: single nucleotide variant.
Coding change: c.2329G>A on transcript NM_145290.4 (MANE Select); coding-DNA position 2329, G replaced by A.
Protein change: p.Val777Ile; replaces valine 777 with isoleucine.
Molecular consequence: missense variant.
Genome position (GRCh38, 1-based): chr4:22,402,703, C>T on the plus strand (G>A on the coding strand, the complement: ADGRA3 is on the minus strand). VCF-style: chr4-22402703-C-T. GRCh37 (hg19) VCF-style: chr4-22404326-C-T.
Other names: short protein forms V777I.
Identifiers: ClinVar variation 1464328 (VCV001464328.8), dbSNP rs200590610, ClinGen allele CA2873674.
Genomic context (GRCh38, chr4:22,402,703, plus strand): 5'-GCAGATCTATTTTGTCGAGATGTATTTCTTACCTGTGATGGTATATGTAACTGACAATGA[C>T]GGCTAAGAGACATAAGAGGAGAATGATAGCGGTAGTATAAACCACAGGATGCAGGAGGCT-3'
Protein context (NP_660333.2, residues 767-787): AIILLLCLLA[Val777Ile]IVSYIYHHSL

ClinVar aggregate classification (germline): Uncertain significance (1 of 4 stars; one submission).

Allele frequency attached by ClinVar (database versions not stated): gnomAD exomes 0.00003 and 0.00007; ExAC 0.00007; gnomAD 0.00016; TOPMed 0.00017; ESP Exome Variant Server 0.00023.
gnomAD v4.1: 60 of 1,613,448 alleles (0.0037%); highest among the groups gnomAD compares: Admixed American, 0.033%; no homozygotes.

Submission:

Labcorp Genetics (formerly Invitae), Labcorp
Classification: Uncertain significance. Last evaluated: 2025-06-22. Review status: criteria provided, single submitter. Criteria: Invitae Variant Classification Sherloc (09022015). Collection method: clinical testing. Allele origin: germline.
Comment: This sequence change replaces valine, which is neutral and non-polar, with isoleucine, which is neutral and non-polar, at codon 777 of the ADGRA3 protein (p.Val777Ile). This variant is present in population databases (rs200590610, gnomAD 0.03%). This variant has not been reported in the literature in individuals affected with ADGRA3-related conditions. ClinVar contains an entry for this variant (Variation ID: 1464328). An algorithm developed to predict the effect of missense changes on protein structure and function outputs the following: PolyPhen-2: "Benign". The isoleucine amino acid residue is found in multiple mammalian species, which suggests that this missense change does not adversely affect protein function. In summary, the available evidence is currently insufficient to determine the role of this variant in disease. Therefore, it has been classified as a Variant of Uncertain Significance.